The following is an entry in ClinVar:

NM_005591.4(MRE11):c.1790C>G (p.Thr597Ser)

Gene: MRE11 (MRE11 double strand break repair nuclease; minus strand). Cytogenetic location: 11q21.
Variant type: single nucleotide variant.
Coding change: c.1790C>G on transcript NM_005591.4 (MANE Select); coding-DNA position 1790, C replaced by G.
Protein change: p.Thr597Ser; replaces threonine 597 with serine.
Molecular consequence: missense variant. On other transcripts: intron variant (1).
Genome position (GRCh38, 1-based): chr11:94,445,887, G>C on the plus strand (C>G on the coding strand, the complement: MRE11 is on the minus strand). VCF-style: chr11-94445887-G-C. GRCh37 (hg19) VCF-style: chr11-94179053-G-C.
Other names: c.1787C>G, p.Thr596Ser (NM_001330347.2); c.1783+1332C>G (NM_005590.4); short protein forms T596S, T597S.
Identifiers: ClinVar variation 3397832 (VCV003397832.1).

ClinVar aggregate classification (germline): Uncertain significance (1 of 4 stars; one submission).

Conditions:
Hereditary cancer-predisposing syndrome. Also called: Hereditary Cancer Syndrome; Tumor predisposition; Hereditary neoplastic syndrome; Neoplastic Syndromes, Hereditary. Identifiers: Orphanet 140162, MedGen C0027672, MeSH D009386, MONDO:0015356.

Submission:

Ambry Genetics
Classification: Uncertain significance for Hereditary cancer-predisposing syndrome. Last evaluated: 2024-11-02. Review status: criteria provided, single submitter. Criteria: Ambry Variant Classification Scheme 2023. Collection method: clinical testing. Allele origin: germline.
Comment: The p.T597S variant (also known as c.1790C>G), located in coding exon 15 of the MRE11A gene, results from a C to G substitution at nucleotide position 1790. The threonine at codon 597 is replaced by serine, an amino acid with similar properties. This amino acid position is conserved. In addition, this alteration is predicted to be tolerated by in silico analysis. Based on the available evidence, the clinical significance of this variant remains unclear.